The following is an entry in ClinVar:

NM_001364905.1(LRBA):c.1713C>T (p.His571=)

Gene: LRBA (LPS responsive beige-like anchor protein; minus strand). Cytogenetic location: 4q31.3.
Variant type: single nucleotide variant.
Coding change: c.1713C>T on transcript NM_001364905.1 (MANE Select); coding-DNA position 1713, C replaced by T.
Protein change: p.His571=; no amino-acid change (histidine 571 retained).
Molecular consequence: synonymous variant.
Genome position (GRCh38, 1-based): chr4:150,905,880, G>A on the plus strand (C>T on the coding strand, the complement: LRBA is on the minus strand). VCF-style: chr4-150905880-G-A. GRCh37 (hg19) VCF-style: chr4-151827032-G-A.
Other names: p.His571=; c.1713C>T, p.His571= (NM_001199282.3, NM_001367550.1, NM_006726.5).
Identifiers: ClinVar variation 284747 (VCV000284747.63), dbSNP rs145812385, ClinGen allele CA3103501.

ClinVar aggregate classification (germline): Conflicting classifications of pathogenicity. Review status: criteria provided, conflicting classifications (1 of 4 stars). 8 submissions from 8 submitters: Uncertain significance (1); Likely benign (6). 1 of the submissions does not count toward it. Last evaluated 2026-02-01.

Conditions:
LRBA-related disorder. Also called: LRBA-related condition.
Combined immunodeficiency due to LRBA deficiency. Also called: Common variable immunodeficiency 8, with autoimmunity. Identifiers: Orphanet 445018, MedGen C3553512, MONDO:0013863, OMIM 614700.

Allele frequency attached by ClinVar (database versions not stated): 1000 Genomes Project 0.00040; ESP Exome Variant Server 0.00046; 1000 Genomes Project 30x 0.00047; ExAC 0.00056; gnomAD exomes 0.00061; gnomAD 0.00097 and 0.00101; TOPMed 0.00106.
gnomAD v4.1: 1,515 of 1,613,584 alleles (0.094%); highest among the groups gnomAD compares: Non-Finnish European, 0.12%; 2 homozygotes.

Submissions (8):

Labcorp Genetics (formerly Invitae), Labcorp
Classification: Likely benign for Combined immunodeficiency due to LRBA deficiency. Last evaluated: 2026-02-01. Review status: criteria provided, single submitter. Criteria: Invitae Variant Classification Sherloc (09022015). Collection method: clinical testing. Allele origin: germline.

Mayo Clinic Laboratories, Mayo Clinic
Classification: Likely benign. Last evaluated: 2025-04-28. Review status: criteria provided, single submitter. Criteria: ACMG Guidelines, 2015. Collection method: clinical testing. Allele origin: germline. Observed: 2 variant alleles.
Comment: BP4, BP7

CeGaT Center for Human Genetics Tuebingen
Classification: Likely benign. Last evaluated: 2025-03-01. Review status: criteria provided, single submitter. Criteria: CeGaT Center For Human Genetics Tuebingen Variant Classification Criteria Version 2. Collection method: clinical testing. Allele origin: germline. Affected: yes. Observed: 2 variant alleles.
Comment: LRBA: BP4, BP7

Blueprint Genetics
Classification: Likely benign. Last evaluated: 2024-10-11. Review status: criteria provided, single submitter. Criteria: ACMG Guidelines, 2015. Collection method: clinical testing. Allele origin: germline.

Genetic Services Laboratory, University of Chicago
Classification: Likely benign. Last evaluated: 2020-08-17. Review status: criteria provided, single submitter. Criteria: ACMG Guidelines, 2015. Collection method: clinical testing. Allele origin: germline. Affected: no.

ARUP Laboratories, Molecular Genetics and Genomics, ARUP Laboratories
Classification: Likely benign. Last evaluated: 2017-09-29. Review status: criteria provided, single submitter. Criteria: ARUP Molecular Germline Variant Investigation Process. Collection method: clinical testing. Allele origin: germline.
Comment: The p.His571His variant (rs145812385) does not alter the amino acid sequence of the LRBA protein and computational splice site prediction algorithms do not predict a change in the nearest splice site or creation of a cryptic splice site (Alamut v2.10). This variant has not been reported in association with immunodeficiency in medical literature or in gene specific variation databases. This variant is listed in the Genome Aggregation Database (gnomAD) with a frequency of 0.01 percent in the European Non-Finnish population (identified on 130 out of 126,186 chromosomes), and has been reported to the ClinVar database (Variation ID: 284747). Based on these observations, the p.His571His variant is likely to be benign.

Eurofins Ntd Llc (ga)
Classification: Uncertain significance. Last evaluated: 2015-11-24. Review status: criteria provided, single submitter. Criteria: EGL Classification Definitions 2015. Collection method: clinical testing. Allele origin: germline. Observed: 2 variant alleles, 2 heterozygotes.

PreventionGenetics, part of Exact Sciences
Classification: Likely benign for LRBA-related condition. Last evaluated: 2019-05-13. Review status: no assertion criteria provided. Collection method: clinical testing. Allele origin: germline. Not counted in ClinVar's aggregate classification.
Comment: This variant is classified as likely benign based on ACMG/AMP sequence variant interpretation guidelines (Richards et al. 2015 PMID: 25741868, with internal and published modifications).